The following is an entry in ClinVar:

NM_006767.4(LZTR1):c.200+5G>C

Gene: LZTR1 (leucine zipper like post translational regulator 1; plus strand). Cytogenetic location: 22q11.21.
Variant type: single nucleotide variant.
Coding change: c.200+5G>C on transcript NM_006767.4 (MANE Select); 5 bases into the intron after coding-DNA position 200, G replaced by C.
Molecular consequence: intron variant.
Genome position (GRCh38, 1-based): chr22:20,982,576, G>C. VCF-style: chr22-20982576-G-C. GRCh37 (hg19) VCF-style: chr22-21336865-G-C.
Identifiers: ClinVar variation 4101854 (VCV004101854.1).

ClinVar aggregate classification (germline): Uncertain significance (1 of 4 stars; one submission).

Conditions:
Cardiovascular phenotype. Identifiers: MedGen CN230736.
Hereditary cancer-predisposing syndrome. Also called: Tumor predisposition; Neoplastic Syndromes, Hereditary; Hereditary neoplastic syndrome; Hereditary Cancer Syndrome. Identifiers: Orphanet 140162, MedGen C0027672, MeSH D009386, MONDO:0015356.

gnomAD v4.1: 1 of 1,610,750 alleles (0.000062%); highest among the groups gnomAD compares: Non-Finnish European, 0.000085%; no homozygotes.

Submission:

Ambry Genetics
Classification: Uncertain significance for Cardiovascular phenotype; Hereditary cancer-predisposing syndrome. Last evaluated: 2025-09-12. Review status: criteria provided, single submitter. Criteria: Ambry Variant Classification Scheme 2023. Collection method: clinical testing. Allele origin: germline.
Comment: The c.200+5G>C intronic variant results from a G to C substitution 5 nucleotides after coding exon 1 in the LZTR1 gene. This nucleotide position is highly conserved in available vertebrate species. In silico splice site analysis predicts that this alteration may result in the creation or strengthening of a novel splice donor site. Based on the available evidence, the clinical significance of this variant remains unclear.